The following is an entry in ClinVar:

NM_024318.5(LILRA6):c.585A>G (p.Thr195=)

Genes: LILRA6 (leukocyte immunoglobulin like receptor A6; minus strand), LILRB3 (leukocyte immunoglobulin like receptor B3; minus strand). Cytogenetic location: 19q13.42.
Variant type: single nucleotide variant.
Coding change: c.585A>G on transcript NM_024318.5 (MANE Select); coding-DNA position 585, A replaced by G.
Protein change: p.Thr195=; no amino-acid change (threonine 195 retained).
Molecular consequence: synonymous variant.
Genome position (GRCh38, 1-based): chr19:54,241,649, T>C on the plus strand (A>G on the coding strand, the complement: LILRA6 is on the minus strand). VCF-style: chr19-54241649-T-C. GRCh37 (hg19) VCF-style: chr19-54745525-T-C.
Identifiers: ClinVar variation 3898233 (VCV003898233.7).

ClinVar aggregate classification (germline): Likely benign (1 of 4 stars; one submission).

gnomAD v4.1: 8,875 of 1,505,430 alleles (0.59%); highest among the groups gnomAD compares: African/African-American, 11%; 1,279 homozygotes.

Submission:

CeGaT Center for Human Genetics Tuebingen
Classification: Likely benign. Last evaluated: 2025-12-01. Review status: criteria provided, single submitter. Criteria: CeGaT Center For Human Genetics Tuebingen Variant Classification Criteria Version 2. Collection method: clinical testing. Allele origin: germline. Affected: yes. Observed: 2 variant alleles.
Comment: LILRA6: PM2:Supporting, BP4, BP7; LILRB3: PM2:Supporting, BP4, BP7